The following is an entry in ClinVar:

ClinVar aggregate classification (germline): Uncertain significance. Review status: criteria provided, multiple submitters, no conflicts (2 of 4 stars). 2 submissions from 2 submitters: Uncertain significance (2). Last evaluated 2025-12-24.

Conditions:
Inborn genetic diseases. Identifiers: MedGen C0950123, MeSH D030342.

gnomAD v4.1: 3 of 1,614,060 alleles (0.00019%); highest among the groups gnomAD compares: South Asian, 0.0011%; no homozygotes.

Submissions (2):

Labcorp Genetics (formerly Invitae), Labcorp
Classification: Uncertain significance. Last evaluated: 2025-12-24. Review status: criteria provided, single submitter. Criteria: Invitae Variant Classification Sherloc (09022015). Collection method: clinical testing. Allele origin: germline.
Comment: This sequence change replaces aspartic acid, which is acidic and polar, with asparagine, which is neutral and polar, at codon 510 of the MBD4 protein (p.Asp510Asn). This variant is present in population databases (no rsID available, gnomAD 0.003%). This variant has not been reported in the literature in individuals affected with MBD4-related conditions. ClinVar contains an entry for this variant (Variation ID: 3543800). An algorithm developed to predict the effect of missense changes on protein structure and function (PolyPhen-2) suggests that this variant is likely to be disruptive. In summary, the available evidence is currently insufficient to determine the role of this variant in disease. Therefore, it has been classified as a Variant of Uncertain Significance.

Ambry Genetics
Classification: Uncertain significance for Inborn genetic diseases. Last evaluated: 2024-12-06. Review status: criteria provided, single submitter. Criteria: Ambry Variant Classification Scheme 2023. Collection method: clinical testing. Allele origin: germline.
Comment: The p.D504N variant (also known as c.1510G>A), located in coding exon 6 of the MBD4 gene, results from a G to A substitution at nucleotide position 1510. The aspartic acid at codon 504 is replaced by asparagine, an amino acid with highly similar properties. This amino acid position is conserved. In addition, this alteration is predicted to be tolerated by in silico analysis. Based on the available evidence, the clinical significance of this variant remains unclear.

NM_001276270.2(MBD4):c.1510G>A (p.Asp504Asn)

Gene: MBD4 (methyl-CpG binding domain 4, DNA glycosylase; minus strand). Cytogenetic location: 3q21.3.
Variant type: single nucleotide variant.
Coding change: c.1510G>A on transcript NM_001276270.2 (MANE Select); coding-DNA position 1510, G replaced by A.
Protein change: p.Asp504Asn; replaces aspartic acid 504 with asparagine.
Molecular consequence: missense variant.
Genome position (GRCh38, 1-based): chr3:129,433,131, C>T on the plus strand (G>A on the coding strand, the complement: MBD4 is on the minus strand). VCF-style: chr3-129433131-C-T. GRCh37 (hg19) VCF-style: chr3-129151974-C-T.
Other names: c.1528G>A, p.Asp510Asn (NM_001276271.2, NM_001276272.2, NM_003925.3); c.574G>A, p.Asp192Asn (NM_001276273.2); short protein forms D192N, D504N, D510N.
Identifiers: ClinVar variation 3543800 (VCV003543800.3).